The following is an entry in ClinVar:

ClinVar aggregate classification (germline): Uncertain significance. Review status: criteria provided, multiple submitters, no conflicts (2 of 4 stars). 4 submissions from 4 submitters: Uncertain significance (3). 1 of the submissions does not count toward it. Last evaluated 2025-12-03.

Conditions:
Hereditary cancer-predisposing syndrome. Also called: Neoplastic Syndromes, Hereditary; Hereditary Cancer Syndrome; Hereditary neoplastic syndrome; Tumor predisposition. Identifiers: Orphanet 140162, MedGen C0027672, MeSH D009386, MONDO:0015356.
Fumarase deficiency (FMRD). Also called: Fumarate Hydratase Deficiency; Fumaric aciduria. Identifiers: Orphanet 24, MedGen C0342770, MONDO:0011730, OMIM 606812.

Allele frequency attached by ClinVar (database versions not stated): TOPMed below 0.00001; ExAC 0.00001; gnomAD exomes 0.00001.
gnomAD v4.1: 3 of 1,613,660 alleles (0.00019%); highest among the groups gnomAD compares: South Asian, 0.0011%; no homozygotes.

Submissions (4):

Labcorp Genetics (formerly Invitae), Labcorp
Classification: Uncertain significance. Last evaluated: 2025-12-03. Review status: criteria provided, single submitter. Criteria: Invitae Variant Classification Sherloc (09022015). Collection method: clinical testing. Allele origin: germline.
Comment: This sequence change replaces valine, which is neutral and non-polar, with isoleucine, which is neutral and non-polar, at codon 255 of the FH protein (p.Val255Ile). This variant is present in population databases (rs752144845, gnomAD 0.003%). This variant has not been reported in the literature in individuals affected with FH-related conditions. ClinVar contains an entry for this variant (Variation ID: 827167). Invitae Evidence Modeling of protein sequence and biophysical properties (such as structural, functional, and spatial information, amino acid conservation, physicochemical variation, residue mobility, and thermodynamic stability) indicates that this missense variant is not expected to disrupt FH protein function with a negative predictive value of 95%. In summary, the available evidence is currently insufficient to determine the role of this variant in disease. Therefore, it has been classified as a Variant of Uncertain Significance.

Ambry Genetics
Classification: Uncertain significance for Hereditary cancer-predisposing syndrome. Last evaluated: 2022-12-08. Review status: criteria provided, single submitter. Criteria: Ambry Variant Classification Scheme 2023. Collection method: clinical testing. Allele origin: germline.
Comment: The p.V255I variant (also known as c.763G>A), located in coding exon 6 of the FH gene, results from a G to A substitution at nucleotide position 763. The valine at codon 255 is replaced by isoleucine, an amino acid with highly similar properties. This amino acid position is well conserved in available vertebrate species. In addition, the in silico prediction for this alteration is inconclusive. Since supporting evidence is limited at this time, the clinical significance of this alteration remains unclear.

Institute for Clinical Genetics, University Hospital TU Dresden, University Hospital TU Dresden
Classification: Uncertain significance. Last evaluated: 2021-11-03. Review status: criteria provided, single submitter. Criteria: ACMG Guidelines, 2015. Collection method: clinical testing. Allele origin: germline.

Natera, Inc.
Classification: Uncertain significance for Fumarase deficiency. Last evaluated: 2020-09-16. Review status: no assertion criteria provided. Collection method: clinical testing. Allele origin: germline. Not counted in ClinVar's aggregate classification.

NM_000143.4(FH):c.763G>A (p.Val255Ile)

Gene: FH (fumarate hydratase; minus strand). Cytogenetic location: 1q43.
Variant type: single nucleotide variant.
Coding change: c.763G>A on transcript NM_000143.4 (MANE Select); coding-DNA position 763, G replaced by A.
Protein change: p.Val255Ile; replaces valine 255 with isoleucine.
Molecular consequence: missense variant.
Genome position (GRCh38, 1-based): chr1:241,506,144, C>T on the plus strand (G>A on the coding strand, the complement: FH is on the minus strand). VCF-style: chr1-241506144-C-T. GRCh37 (hg19) VCF-style: chr1-241669444-C-T.
Other names: short protein forms V255I.
Identifiers: ClinVar variation 827167 (VCV000827167.14), dbSNP rs752144845, ClinGen allele CA1478610.